The following is an entry in ClinVar:

ClinVar aggregate classification (germline): Likely pathogenic (1 of 4 stars; one submission).

Submission:

CeGaT Center for Human Genetics Tuebingen
Classification: Likely pathogenic. Last evaluated: 2024-10-01. Review status: criteria provided, single submitter. Criteria: CeGaT Center For Human Genetics Tuebingen Variant Classification Criteria Version 2. Collection method: clinical testing. Allele origin: germline. Affected: yes. Observed: 1 variant allele.
Comment: DYNC1H1: PM2, PM5, PS2:Moderate, PP2

NM_001376.5(DYNC1H1):c.5884C>A (p.Arg1962Ser)

Gene: DYNC1H1 (dynein cytoplasmic 1 heavy chain 1; plus strand). Cytogenetic location: 14q32.31.
Variant type: single nucleotide variant.
Coding change: c.5884C>A on transcript NM_001376.5 (MANE Select); coding-DNA position 5884, C replaced by A.
Protein change: p.Arg1962Ser; replaces arginine 1962 with serine.
Molecular consequence: missense variant.
Genome position (GRCh38, 1-based): chr14:102,008,244, C>A. VCF-style: chr14-102008244-C-A. GRCh37 (hg19) VCF-style: chr14-102474581-C-A.
Other names: short protein forms R1962S.
Identifiers: ClinVar variation 3387953 (VCV003387953.14).